The following is an entry in ClinVar:

ClinVar aggregate classification (germline): Likely benign. Review status: criteria provided, single submitter (1 of 4 stars). 2 submissions from 2 submitters: Likely benign (1). 1 of the submissions does not count toward it. Last evaluated 2024-09-12.

Conditions:
Dystonia 12 (DYT12). Also called: DYT-ATP1A3; Rapid-Onset Dystonia-Parkinsonism (RDP). Identifiers: Orphanet 71517, MedGen C1868681, MONDO:0007496, OMIM 128235.
ATP1A3-related disorder. Also called: ATP1A3-related condition; ATP1A3-related disorders. Identifiers: MedGen CN381097.

Allele frequency attached by ClinVar (database versions not stated): gnomAD exomes 0.00001; ExAC 0.00002; ESP Exome Variant Server 0.00008; gnomAD 0.00008; TOPMed 0.00008.
gnomAD v4.1: 21 of 1,614,070 alleles (0.0013%); highest among the groups gnomAD compares: African/African-American, 0.027%; no homozygotes.

Submissions (2):

Labcorp Genetics (formerly Invitae), Labcorp
Classification: Likely benign for Dystonia 12. Last evaluated: 2024-09-12. Review status: criteria provided, single submitter. Criteria: Invitae Variant Classification Sherloc (09022015). Collection method: clinical testing. Allele origin: germline.

PreventionGenetics, part of Exact Sciences
Classification: Likely benign for ATP1A3-related condition. Last evaluated: 2019-08-01. Review status: no assertion criteria provided. Collection method: clinical testing. Allele origin: germline. Not counted in ClinVar's aggregate classification.
Comment: This variant is classified as likely benign based on ACMG/AMP sequence variant interpretation guidelines (Richards et al. 2015 PMID: 25741868, with internal and published modifications).

NM_152296.5(ATP1A3):c.63C>T (p.Asp21=)

Gene: ATP1A3 (ATPase Na+/K+ transporting subunit alpha 3; minus strand). Cytogenetic location: 19q13.2.
Variant type: single nucleotide variant.
Coding change: c.63C>T on transcript NM_152296.5 (MANE Select); coding-DNA position 63, C replaced by T.
Protein change: p.Asp21=; no amino-acid change (aspartic acid 21 retained).
Molecular consequence: synonymous variant.
Genome position (GRCh38, 1-based): chr19:41,988,506, G>A on the plus strand (C>T on the coding strand, the complement: ATP1A3 is on the minus strand). VCF-style: chr19-41988506-G-A. GRCh37 (hg19) VCF-style: chr19-42492658-G-A.
Other names: c.102C>T (NM_001256214.1); c.96C>T, p.Asp32= (NM_001256213.2); c.102C>T, p.Asp34= (NM_001256214.2).
Identifiers: ClinVar variation 1149449 (VCV001149449.9), dbSNP rs367930558, ClinGen allele CA9467974.